The following is an entry in ClinVar:

NM_022455.5(NSD1):c.5279_5282del (p.Val1760fs)

Gene: NSD1 (nuclear receptor binding SET domain protein 1; plus strand). Cytogenetic location: 5q35.3.
Variant type: Deletion.
Coding change: c.5279_5282del on transcript NM_022455.5 (MANE Select); coding-DNA positions 5279 to 5282, 4 bases deleted (TCTG; older notation c.5279_5282delTCTG).
Protein change: p.Val1760fs; shifts the reading frame from valine 1760.
Molecular consequence: frameshift variant.
Genome position (GRCh38, 1-based): chr5:177,267,694-177,267,697, TCTG deleted; deleting any 4 consecutive bases within chr5:177,267,692-177,267,697 gives the same sequence; the c. name uses the placement nearest the transcript's 3' end. VCF-style (leftmost placement, unchanged base first): chr5-177267691-TTGTC-T. GRCh37 (hg19) VCF-style: chr5-176694692-TTGTC-T.
Other names: c.4406_4409delTCTG, p.Val1469Glyfs (NM_001365684.2, NM_001409308.1, NM_001409309.1 and 1 more transcripts); c.5279_5282delTCTG, p.Val1760Glyfs (NM_001409301.1, NM_001409302.1, NM_001409303.1); c.4859_4862delTCTG, p.Val1620Glyfs (NM_001409304.1); c.4526_4529delTCTG, p.Val1509Glyfs (NM_001409305.1); c.4517_4520delTCTG, p.Val1506Glyfs (NM_001409306.1, NM_001409307.1); short protein forms V1491fs.
Identifiers: ClinVar variation 96062 (VCV000096062.15), dbSNP rs398124379, ClinGen allele CA223688.

ClinVar aggregate classification (germline): Pathogenic. Review status: criteria provided, multiple submitters, no conflicts (2 of 4 stars). 5 submissions from 5 submitters: Pathogenic (5). Last evaluated 2026-01-20.

Conditions:
Sotos syndrome (SOTOS). Also called: CEREBRAL GIGANTISM; Distinctive facial appearance, overgrowth in childhood, and learning disabilities or delayed development; CHROMOSOME 5q35 DELETION SYNDROME; Sotos' syndrome; SOTOS SYNDROME 1. Identifiers: Orphanet 821, MedGen C0175695, MONDO:0019349, OMIM 117550.

Submissions (5):

MVZ Medizinische Genetik Mainz
Classification: Pathogenic for Sotos syndrome. Last evaluated: 2026-01-20. Review status: criteria provided, single submitter. Criteria: UK Practice Guidelines For Variant Classification V4 01 2020. Collection method: clinical testing. Allele origin: germline. Inheritance: Autosomal dominant inheritance. Affected: yes. Observed: 1 variant allele.
Comment: ACMG Criteria: PVS1,PS4_MOD,PM2_SUP

Genome-Nilou Lab
Classification: Pathogenic for Sotos syndrome. Last evaluated: 2021-07-15. Review status: criteria provided, single submitter. Criteria: ACMG Guidelines, 2015. Collection method: clinical testing. Allele origin: germline. Affected: no.

Eurofins Ntd Llc (ga)
Classification: Pathogenic. Last evaluated: 2013-06-11. Review status: criteria provided, single submitter. Criteria: EGL Classification Definitions. Collection method: clinical testing. Allele origin: germline. Observed: 1 variant allele, 1 heterozygote.

Genetic Services Laboratory, University of Chicago
Classification: Pathogenic for Sotos syndrome 1. Last evaluated: 2013-02-08. Review status: criteria provided, single submitter. Criteria: ACMG Guidelines, 2007. Collection method: clinical testing. Allele origin: germline. Inheritance: Autosomal dominant inheritance. Affected: yes.

Rady Children's Institute for Genomic Medicine, Rady Children's Hospital San Diego
Classification: Pathogenic for Sotos syndrome. Review status: criteria provided, single submitter. Criteria: ACMG Guidelines, 2015. Collection method: clinical testing. Allele origin: germline. Affected: yes.
Comment: This frameshifting variant in exon 15 of 23 introduces a premature stop codon and is therefore predicted to result in loss of normal protein function through either protein truncation or nonsense-mediated mRNA decay (NMD). This variant has been previously reported as a heterozygous change in a patient with Sotos syndrome (PMID: 15942875). The NSD1 gene is constrained against loss-of-function variation (pLI = 1.0), and loss-of-function variants are an established mechanism of disease (PMID: 15942875, 11896389). The c.5279_5282del (p.Val1760GlyfsTer2) variant is absent from the gnomAD population database and thus is presumed to be rare. Analysis of the parental samples was negative for the variant, indicating this variant likely occurred as a de novo event. Based on the available evidence, the c.5279_5282del (p.Val1760GlyfsTer2) variant is classified as Pathogenic.